The following is an entry in ClinVar:

NM_002253.4(KDR):c.1416A>T (p.Gln472His)

Gene: KDR (kinase insert domain receptor; minus strand). Cytogenetic location: 4q12.
Variant type: single nucleotide variant.
Coding change: c.1416A>T on transcript NM_002253.4 (MANE Select); coding-DNA position 1416, A replaced by T.
Protein change: p.Gln472His; replaces glutamine 472 with histidine.
Molecular consequence: missense variant.
Genome position (GRCh38, 1-based): chr4:55,106,807, T>A on the plus strand (A>T on the coding strand, the complement: KDR is on the minus strand). VCF-style: chr4-55106807-T-A. GRCh37 (hg19) VCF-style: chr4-55972974-T-A.
Other names: NC_000004.11:g.55972974T>A; c.1416A>T (NM_002253.2); short protein forms Q472H.
Identifiers: ClinVar variation 134603 (VCV000134603.4), dbSNP rs1870377, ClinGen allele CA160311.
Genomic context (GRCh38, chr4:55,106,807, plus strand): 5'-CTGGAAGTCCTCCACACTTCTCCATTCTTCACAAGGGTATGGGTTTGTCACTGAGACAGC[T>A]TGGCTATAAGAAAGAGATAACAGCGCATATTATGATTTAATTTTTCTTTAATTAGAGTCA-3'
Protein context (NP_002244.1, residues 462-482): LEEECANEPS[Gln472His]AVSVTNPYPC

ClinVar aggregate classification (germline): Benign. Review status: no assertion criteria provided (0 of 4 stars). 2 submissions from 2 submitters: Benign (1). 1 of the submissions does not count toward it. Last evaluated 2019-08-02.

Conditions:
KDR-related disorder. Also called: KDR-related condition.

Allele frequency attached by ClinVar (database versions not stated): TOPMed 0.18811; ESP Exome Variant Server 0.19391; gnomAD 0.20077 and 0.20334; 1000 Genomes Project 30x 0.20971; 1000 Genomes Project 0.21186; ExAC 0.21983; gnomAD exomes 0.22273.
gnomAD v4.1: 363,577 of 1,599,452 alleles (23%); highest among the groups gnomAD compares: East Asian, 44%; 44,436 homozygotes.

Submissions (4):

PreventionGenetics, part of Exact Sciences
Classification: Benign for KDR-related condition. Last evaluated: 2019-08-02. Review status: no assertion criteria provided. Collection method: clinical testing. Allele origin: germline.
Comment: This variant is classified as benign based on ACMG/AMP sequence variant interpretation guidelines (Richards et al. 2015 PMID: 25741868, with internal and published modifications).

ITMI
No classification provided. Condition: AllHighlyPenetrant. Last evaluated: 2013-09-19. Review status: no classification provided. Collection method: reference population. Allele origin: germline. Not counted in ClinVar's aggregate classification.
Comment: Please see associated publication for description of ethnicities

Dr. Peter K. Rogan Lab, Western University
No classification provided (evidence only). Condition: Uterine carcinosarcoma. Review status: no classification provided. Collection method: in vitro. Allele origin: not applicable. Functional consequence: retained intron. Not counted in ClinVar's aggregate classification.

Dr. Peter K. Rogan Lab, Western University
No classification provided (evidence only). Condition: Uterine carcinosarcoma. Review status: no classification provided. Collection method: in vitro. Allele origin: not applicable. Functional consequence: retained intron. Not counted in ClinVar's aggregate classification.

Literature cited by the submitters: PubMed 24728327 (cited by ITMI).